The following is an entry in ClinVar:

NM_001018005.2(TPM1):c.209A>G (p.Lys70Arg)

Gene: TPM1 (tropomyosin 1; plus strand). Cytogenetic location: 15q22.2.
Variant type: single nucleotide variant.
Coding change: c.209A>G on transcript NM_001018005.2 (MANE Select); coding-DNA position 209, A replaced by G.
Protein change: p.Lys70Arg; replaces lysine 70 with arginine.
Molecular consequence: missense variant. On other transcripts: intron variant (3).
Genome position (GRCh38, 1-based): chr15:63,044,121, A>G. VCF-style: chr15-63044121-A-G. GRCh37 (hg19) VCF-style: chr15-63336320-A-G.
Other names: c.209A>G, p.Lys70Arg (NM_000366.6, NM_001018004.2, NM_001018006.2 and 3 more transcripts); c.335A>G, p.Lys112Arg (NM_001365778.1); c.240+290A>G (NM_001018020.2, NM_001018007.2, NM_001301244.2); short protein forms K112R, K70R.
Identifiers: ClinVar variation 942212 (VCV000942212.9), dbSNP rs199476307, ClinGen allele CA392718685.

ClinVar aggregate classification (germline): Uncertain significance (1 of 4 stars; one submission).

Conditions:
Hypertrophic cardiomyopathy. Also called: HYPERTROPHIC MYOCARDIOPATHY. Identifiers: Orphanet 217569, MedGen C0007194, MeSH D002312, MONDO:0005045, HP:0001639.

Submission:

Labcorp Genetics (formerly Invitae), Labcorp
Classification: Uncertain significance for Hypertrophic cardiomyopathy. Last evaluated: 2025-11-26. Review status: criteria provided, single submitter. Criteria: Invitae Variant Classification Sherloc (09022015). Collection method: clinical testing. Allele origin: germline.
Comment: This sequence change replaces lysine, which is basic and polar, with arginine, which is basic and polar, at codon 70 of the TPM1 protein (p.Lys70Arg). This variant is not present in population databases (gnomAD no frequency). This variant has not been reported in the literature in individuals affected with TPM1-related conditions. ClinVar contains an entry for this variant (Variation ID: 942212). An algorithm developed to predict the effect of missense changes on protein structure and function (PolyPhen-2) suggests that this variant is likely to be tolerated. In summary, the available evidence is currently insufficient to determine the role of this variant in disease. Therefore, it has been classified as a Variant of Uncertain Significance.